The following is an entry in ClinVar:

ClinVar aggregate classification (germline): Conflicting classifications of pathogenicity. Review status: criteria provided, conflicting classifications (1 of 4 stars). 3 submissions from 3 submitters: Uncertain significance (1); Likely benign (2). Last evaluated 2025-08-21.

Conditions:
Emery-Dreifuss muscular dystrophy 5, autosomal dominant (EDMD5). Also called: EMERY-DREIFUSS MUSCULAR DYSTROPHY 5. Identifiers: Orphanet 261, MedGen C2751805, MONDO:0013072, OMIM 612999.

Allele frequency attached by ClinVar (database versions not stated): TOPMed 0.00004; gnomAD 0.00009; 1000 Genomes Project 30x 0.00016; 1000 Genomes Project 0.00020; gnomAD exomes 0.00035; ExAC 0.00066.
gnomAD v4.1: 201 of 1,614,126 alleles (0.012%); highest among the groups gnomAD compares: Non-Finnish European, 0.012%; 1 homozygote.

Submissions (3):

Labcorp Genetics (formerly Invitae), Labcorp
Classification: Likely benign for Emery-Dreifuss muscular dystrophy 5, autosomal dominant. Last evaluated: 2025-08-21. Review status: criteria provided, single submitter. Criteria: Invitae Variant Classification Sherloc (09022015). Collection method: clinical testing. Allele origin: germline.

Ambry Genetics
Classification: Uncertain significance. Last evaluated: 2025-03-28. Review status: criteria provided, single submitter. Criteria: Ambry Variant Classification Scheme 2023. Collection method: clinical testing. Allele origin: germline.

Athena Diagnostics
Classification: Likely benign. Last evaluated: 2024-12-23. Review status: criteria provided, single submitter. Criteria: Athena Diagnostics Criteria. Collection method: clinical testing. Allele origin: unknown.
Comment: The frequency of this variant in the general population is higher than would generally be expected for pathogenic variants in this gene. Computational tools predict this amino acid change may be benign.

NM_182914.3(SYNE2):c.20590C>T (p.Leu6864Phe)

Gene: SYNE2 (spectrin repeat containing nuclear envelope protein 2; plus strand). Cytogenetic location: 14q23.2.
Variant type: single nucleotide variant.
Coding change: c.20590C>T on transcript NM_182914.3 (MANE Select); coding-DNA position 20590, C replaced by T.
Protein change: p.Leu6864Phe; replaces leucine 6864 with phenylalanine.
Molecular consequence: missense variant.
Genome position (GRCh38, 1-based): chr14:64,225,392, C>T. VCF-style: chr14-64225392-C-T. GRCh37 (hg19) VCF-style: chr14-64692110-C-T.
Other names: c.20524C>T, p.Leu6842Phe (NM_015180.6); c.1156C>T, p.Leu386Phe (NM_182910.2); c.1537C>T, p.Leu513Phe (NM_182913.4); short protein forms L6864F, L513F, L386F, L6842F.
Identifiers: ClinVar variation 652935 (VCV000652935.14), dbSNP rs201554266, ClinGen allele CA7224963.
Genomic context (GRCh38, chr14:64,225,392, plus strand): 5'-ACACGGCCACAGCGCTCCTTCCTCTCAAGGGTGGTCCGGGCAGCCCTACCCCTGCAGCTG[C>T]TCCTCCTGCTGCTGCTGCTCCTGGCCTGCCTGCTGCCCTCCTCCGAAGAAGACTACAGCT-3'
Protein context (NP_878918.2, residues 6854-6874): VVRAALPLQL[Leu6864Phe]LLLLLLLACL